The following is an entry in ClinVar:

NM_032043.3(BRIP1):c.2071A>G (p.Ile691Val)

Gene: BRIP1 (BRCA1 interacting DNA helicase 1; minus strand). Cytogenetic location: 17q23.2.
Variant type: single nucleotide variant.
Coding change: c.2071A>G on transcript NM_032043.3 (MANE Select); coding-DNA position 2071, A replaced by G.
Protein change: p.Ile691Val; replaces isoleucine 691 with valine.
Molecular consequence: missense variant.
Genome position (GRCh38, 1-based): chr17:61,776,427, T>C on the plus strand (A>G on the coding strand, the complement: BRIP1 is on the minus strand). VCF-style: chr17-61776427-T-C. GRCh37 (hg19) VCF-style: chr17-59853788-T-C.
Other names: short protein forms I691V.
Identifiers: ClinVar variation 578190 (VCV000578190.9), dbSNP rs587782356, ClinGen allele CA400478073.

ClinVar aggregate classification (germline): Uncertain significance (1 of 4 stars; one submission).

Conditions:
Fanconi anemia complementation group J. Also called: BRIP1-Related Fanconi Anemia. Identifiers: Orphanet 84, MedGen C1836860, MONDO:0012187, OMIM 609054.
Familial cancer of breast. Also called: hereditary breast carcinoma; BREAST CANCER, FAMILIAL; Hereditary breast cancer. Identifiers: Orphanet 227535, MedGen C0346153, MONDO:0016419, OMIM 114480. Disease mechanism: loss of function.

Submission:

Labcorp Genetics (formerly Invitae), Labcorp
Classification: Uncertain significance for Familial cancer of breast; Fanconi anemia complementation group J. Last evaluated: 2018-06-28. Review status: criteria provided, single submitter. Criteria: Invitae Variant Classification Sherloc (09022015). Collection method: clinical testing. Allele origin: germline.
Comment: In summary, the available evidence is currently insufficient to determine the role of this variant in disease. Therefore, it has been classified as a Variant of Uncertain Significance. Algorithms developed to predict the effect of missense changes on protein structure and function (SIFT, PolyPhen-2, Align-GVGD) all suggest that this variant is likely to be tolerated, but these predictions have not been confirmed by published functional studies and their clinical significance is uncertain. This variant has not been reported in the literature in individuals with BRIP1-related disease. This variant is not present in population databases (ExAC no frequency). This sequence change replaces isoleucine with valine at codon 691 of the BRIP1 protein (p.Ile691Val). The isoleucine residue is moderately conserved and there is a small physicochemical difference between isoleucine and valine.